The following is an entry in ClinVar:

NM_001040142.2(SCN2A):c.3533A>T (p.Lys1178Met)

Gene: SCN2A (sodium voltage-gated channel alpha subunit 2; plus strand). Cytogenetic location: 2q24.3.
Variant type: single nucleotide variant.
Coding change: c.3533A>T on transcript NM_001040142.2 (MANE Select); coding-DNA position 3533, A replaced by T.
Protein change: p.Lys1178Met; replaces lysine 1178 with methionine.
Molecular consequence: missense variant.
Genome position (GRCh38, 1-based): chr2:165,367,229, A>T. VCF-style: chr2-165367229-A-T. GRCh37 (hg19) VCF-style: chr2-166223739-A-T.
Other names: c.3533A>T, p.Lys1178Met (NM_001040143.2, NM_001371246.1, NM_001371247.1 and 1 more transcripts); short protein forms K1178M.
Identifiers: ClinVar variation 3026693 (VCV003026693.22), dbSNP rs2468070019, ClinGen allele CA349025769.

ClinVar aggregate classification (germline): Uncertain significance (1 of 4 stars; one submission).

Submission:

CeGaT Center for Human Genetics Tuebingen
Classification: Uncertain significance. Last evaluated: 2024-01-01. Review status: criteria provided, single submitter. Criteria: CeGaT Center For Human Genetics Tuebingen Variant Classification Criteria Version 2. Collection method: clinical testing. Allele origin: germline. Affected: yes. Observed: 1 variant allele.
Comment: SCN2A: PM2